The following is an entry in ClinVar:

ClinVar aggregate classification (germline): Conflicting classifications of pathogenicity. Review status: criteria provided, conflicting classifications (1 of 4 stars). 3 submissions from 3 submitters: Uncertain significance (2); Likely benign (1). Last evaluated 2026-01-12.

Conditions:
Hereditary nonpolyposis colorectal neoplasms. Identifiers: MedGen C0009405, MeSH D003123.
Hereditary cancer-predisposing syndrome. Also called: Hereditary Cancer Syndrome; Hereditary neoplastic syndrome; Tumor predisposition; Neoplastic Syndromes, Hereditary. Identifiers: Orphanet 140162, MedGen C0027672, MeSH D009386, MONDO:0015356.

Allele frequency attached by ClinVar (database versions not stated): gnomAD exomes below 0.00001 and 0.00001; ExAC 0.00001.
gnomAD v4.1: 3 of 1,614,028 alleles (0.00019%); highest among the groups gnomAD compares: South Asian, 0.0022%; no homozygotes.

Submissions (3):

Labcorp Genetics (formerly Invitae), Labcorp
Classification: Likely benign for Hereditary nonpolyposis colorectal neoplasms. Last evaluated: 2026-01-12. Review status: criteria provided, single submitter. Criteria: Invitae Variant Classification Sherloc (09022015). Collection method: clinical testing. Allele origin: germline.

Ambry Genetics
Classification: Uncertain significance for Hereditary cancer-predisposing syndrome. Last evaluated: 2025-05-02. Review status: criteria provided, single submitter. Criteria: Ambry Variant Classification Scheme 2023. Collection method: clinical testing. Allele origin: germline.
Comment: The p.A780V variant (also known as c.2339C>T), located in coding exon 4 of the MSH6 gene, results from a C to T substitution at nucleotide position 2339. The alanine at codon 780 is replaced by valine, an amino acid with similar properties. This amino acid position is highly conserved in available vertebrate species. In addition, this alteration is predicted to be deleterious by in silico analysis. Based on the available evidence, the clinical significance of this variant remains unclear.

Color Diagnostics, LLC DBA Color Health
Classification: Uncertain significance for Hereditary cancer-predisposing syndrome. Last evaluated: 2023-01-31. Review status: criteria provided, single submitter. Criteria: ACMG Guidelines, 2015. Collection method: clinical testing. Allele origin: germline.
Comment: This missense variant replaces alanine with valine at codon 780 of the MSH6 protein. Computational prediction suggests that this variant may have deleterious impact on protein structure and function (internally defined REVEL score threshold >= 0.7, PMID: 27666373). To our knowledge, functional studies have not been reported for this variant. This variant has not been reported in individuals affected with MSH6-related disorders in the literature. This variant has been identified in 2/251084 chromosomes in the general population by the Genome Aggregation Database (gnomAD). The available evidence is insufficient to determine the role of this variant in disease conclusively. Therefore, this variant is classified as a Variant of Uncertain Significance.

NM_000179.3(MSH6):c.2339C>T (p.Ala780Val)

Gene: MSH6 (mutS homolog 6; plus strand). Cytogenetic location: 2p16.3.
Variant type: single nucleotide variant.
Coding change: c.2339C>T on transcript NM_000179.3 (MANE Select); coding-DNA position 2339, C replaced by T.
Protein change: p.Ala780Val; replaces alanine 780 with valine.
Molecular consequence: missense variant.
Genome position (GRCh38, 1-based): chr2:47,800,322, C>T. VCF-style: chr2-47800322-C-T. GRCh37 (hg19) VCF-style: chr2-48027461-C-T.
Other names: c.1949C>T, p.Ala650Val (NM_001281492.2); c.1433C>T, p.Ala478Val (NM_001281493.2, NM_001281494.2); short protein forms A650V, A478V, A780V.
Identifiers: ClinVar variation 842884 (VCV000842884.12), dbSNP rs63749899, ClinGen allele CA068844.